The following is an entry in ClinVar:

ClinVar aggregate classification (germline): Likely pathogenic (1 of 4 stars; one submission).

Conditions:
Atypical hemolytic-uremic syndrome. Identifiers: Orphanet 2134, MedGen C2931788, MONDO:0016244.
Factor H deficiency (CFHD). Also called: COMPLEMENT FACTOR H DEFICIENCY; CFH DEFICIENCY. Identifiers: Orphanet 200421, MedGen C0398777, MONDO:0012350, OMIM 609814.

Submission:

Genomenon, Inc
Classification: Likely pathogenic for Atypical hemolytic-uremic syndrome; Factor H deficiency. Last evaluated: 2026-09-17. Review status: criteria provided, single submitter. Criteria: Genomenon Sequence Variant Interpretation Standards - Updated. Collection method: curation. Allele origin: germline. Affected: yes.
Comment: CFH p.Cys853Tyr (c.2558G>A) is a missense variant that changes the amino acid at codon 853 from cysteine to tyrosine. This variant has been observed in at least one proband affected with a CFH-related disorder (PMID: 29888403; 28941939; 32342491). Functional studies have been reported (PMID: 28941939). It is absent or not present at a significant frequency in gnomAD. In silico models predict that this variant is possibly or probably damaging. In conclusion, we classify CFH p.Cys853Tyr (c.2558G>A) as a likely pathogenic variant.

Literature cited by the submitters: PubMed 29888403; PubMed 28941939; PubMed 32342491.

NM_000186.4(CFH):c.2558G>A (p.Cys853Tyr)

Gene: CFH (complement factor H; plus strand). Cytogenetic location: 1q31.3.
Variant type: single nucleotide variant.
Coding change: c.2558G>A on transcript NM_000186.4 (MANE Select); coding-DNA position 2558, G replaced by A.
Protein change: p.Cys853Tyr; replaces cysteine 853 with tyrosine.
Molecular consequence: missense variant.
Genome position (GRCh38, 1-based): chr1:196,736,968, G>A. VCF-style: chr1-196736968-G-A. GRCh37 (hg19) VCF-style: chr1-196706098-G-A.
Other names: short protein forms C853Y.
Identifiers: ClinVar variation 4291489 (VCV004291489.3).
Genomic context (GRCh38, chr1:196,736,968, plus strand): 5'-AAAAAGTATCTGTTCTTTGCCAAGAAAATTATCTAATTCAGGAAGGAGAAGAAATTACAT[G>A]CAAAGATGGAAGATGGCAGTCAATACCACTCTGTGTTGGTCAGTAGTGTATAATTTGTTT-3'
Protein context (NP_000177.2, residues 843-863): YLIQEGEEIT[Cys853Tyr]KDGRWQSIPL